The following is an entry in ClinVar:

ClinVar aggregate classification (germline): Likely benign. Review status: criteria provided, multiple submitters, no conflicts (2 of 4 stars). 4 submissions from 4 submitters: Likely benign (4). Last evaluated 2026-08-20.

Conditions:
ANKS6-related disorder. Also called: ANKS6-related condition.
Nephronophthisis 16 (NPHP16). Identifiers: Orphanet 655, MedGen C3809320, MONDO:0014158, OMIM 615382.

Allele frequency attached by ClinVar (database versions not stated): TOPMed 0.00037; 1000 Genomes Project 30x 0.00156; 1000 Genomes Project 0.00160.
gnomAD v4.1: 385 of 1,583,294 alleles (0.024%); highest among the groups gnomAD compares: East Asian, 0.4%; 2 homozygotes.

Submissions (4):

PreventionGenetics, part of Exact Sciences
Classification: Likely benign for ANKS6-related condition. Last evaluated: 2026-08-20. Review status: criteria provided, single submitter. Criteria: ACMG Guidelines, 2015. Collection method: clinical testing. Allele origin: germline.
Comment: This variant is classified as likely benign based on ACMG/AMP sequence variant interpretation guidelines (Richards et al. 2015 PMID: 25741868, with internal and published modifications).

Labcorp Genetics (formerly Invitae), Labcorp
Classification: Likely benign for Nephronophthisis 16. Last evaluated: 2025-06-03. Review status: criteria provided, single submitter. Criteria: Invitae Variant Classification Sherloc (09022015). Collection method: clinical testing. Allele origin: germline.

Blueprint Genetics
Classification: Likely benign. Last evaluated: 2024-11-18. Review status: criteria provided, single submitter. Criteria: ACMG Guidelines, 2015. Collection method: clinical testing. Allele origin: germline.

CeGaT Center for Human Genetics Tuebingen
Classification: Likely benign. Last evaluated: 2024-09-01. Review status: criteria provided, single submitter. Criteria: CeGaT Center For Human Genetics Tuebingen Variant Classification Criteria Version 2. Collection method: clinical testing. Allele origin: germline. Affected: yes. Observed: 2 variant alleles.
Comment: ANKS6: BS1

NM_173551.5(ANKS6):c.1690C>A (p.Pro564Thr)

Gene: ANKS6 (ankyrin repeat and sterile alpha motif domain containing 6; minus strand). Cytogenetic location: 9q22.33.
Variant type: single nucleotide variant.
Coding change: c.1690C>A on transcript NM_173551.5 (MANE Select); coding-DNA position 1690, C replaced by A.
Protein change: p.Pro564Thr; replaces proline 564 with threonine.
Molecular consequence: missense variant.
Genome position (GRCh38, 1-based): chr9:98,774,008, G>T on the plus strand (C>A on the coding strand, the complement: ANKS6 is on the minus strand). VCF-style: chr9-98774008-G-T. GRCh37 (hg19) VCF-style: chr9-101536290-G-T.
Other names: short protein forms P564T.
Identifiers: ClinVar variation 767308 (VCV000767308.36), dbSNP rs190075616, ClinGen allele CA5153389.